The following is an entry in ClinVar:

NC_000012.11:g.(?_133263820)_(133263901_?)del

Gene: POLE (DNA polymerase epsilon, catalytic subunit; minus strand). Cytogenetic location: 12q24.33.
Variant type: Deletion.
Identifiers: ClinVar variation 3244392 (VCV003244392.1).

ClinVar aggregate classification (germline): Pathogenic (1 of 4 stars; one submission).

Submission:

Labcorp Genetics (formerly Invitae), Labcorp
Classification: Pathogenic. Last evaluated: 2024-01-16. Review status: criteria provided, single submitter. Criteria: Invitae Variant Classification Sherloc (09022015). Collection method: clinical testing. Allele origin: unknown.
Comment: This variant is a gross deletion of the genomic region encompassing exon(s) 1 of the POLE gene, which includes the initiator codon. This deletion extends beyond the assayed region for this gene and therefore may encompass additional genes. It is expected to result in an absent or disrupted protein product. Loss-of-function variants in POLE are known to be pathogenic (PMID: 23230001, 25948378, 30503519). This variant has not been reported in the literature in individuals affected with POLE-related conditions. Experimental studies and prediction algorithms are not available or were not evaluated, and the functional significance of this variant is currently unknown. For these reasons, this variant has been classified as Pathogenic.

Literature cited by the submitters: PubMed 23230001; PubMed 25948378; PubMed 30503519.